The following is an entry in ClinVar:

ClinVar aggregate classification (germline): Uncertain significance. Review status: criteria provided, multiple submitters, no conflicts (2 of 4 stars). 3 submissions from 3 submitters: Uncertain significance (3). Last evaluated 2025-01-27.

Conditions:
LZTR1-related schwannomatosis. Also called: Schwannomatosis-2, susceptibility to; Schwannomatosis 2. Identifiers: Orphanet 93921, MedGen C3810283, MONDO:0014299, OMIM 615670.

Submissions (3):

Labcorp Genetics (formerly Invitae), Labcorp
Classification: Uncertain significance. Last evaluated: 2025-01-27. Review status: criteria provided, single submitter. Criteria: Invitae Variant Classification Sherloc (09022015). Collection method: clinical testing. Allele origin: germline.
Comment: This sequence change falls in intron 16 of the LZTR1 gene. It does not directly change the encoded amino acid sequence of the LZTR1 protein. This variant is not present in population databases (gnomAD no frequency). This variant has not been reported in the literature in individuals affected with LZTR1-related conditions. ClinVar contains an entry for this variant (Variation ID: 2676381). Algorithms developed to predict the effect of sequence changes on RNA splicing suggest that this variant may disrupt the consensus splice site. In summary, the available evidence is currently insufficient to determine the role of this variant in disease. Therefore, it has been classified as a Variant of Uncertain Significance.

GeneDx
Classification: Uncertain significance. Last evaluated: 2023-12-22. Review status: criteria provided, single submitter. Criteria: GeneDx Variant Classification Process June 2021. Collection method: clinical testing. Allele origin: germline. Affected: yes.
Comment: Not observed at significant frequency in large population cohorts (gnomAD); In silico analysis supports a deleterious effect on splicing; Has not been previously published as pathogenic or benign to our knowledge

Baylor Genetics
Classification: Uncertain significance for LZTR1-related schwannomatosis. Last evaluated: 2023-10-30. Review status: criteria provided, single submitter. Criteria: ACMG Guidelines, 2015. Collection method: clinical testing. Allele origin: unknown.

NM_006767.4(LZTR1):c.1943-7C>A

Gene: LZTR1 (leucine zipper like post translational regulator 1; plus strand). Cytogenetic location: 22q11.21.
Variant type: single nucleotide variant.
Coding change: c.1943-7C>A on transcript NM_006767.4 (MANE Select); 7 bases into the intron before coding-DNA position 1943, C replaced by A.
Molecular consequence: intron variant.
Genome position (GRCh38, 1-based): chr22:20,995,739, C>A. VCF-style: chr22-20995739-C-A. GRCh37 (hg19) VCF-style: chr22-21350028-C-A.
Identifiers: ClinVar variation 2676381 (VCV002676381.4), dbSNP rs747201655, ClinGen allele CA2655459725.